The following is an entry in ClinVar:

NM_001256545.2(MEGF10):c.2347C>T (p.Arg783Trp)

Gene: MEGF10 (multiple EGF like domains 10; plus strand). Cytogenetic location: 5q23.2.
Variant type: single nucleotide variant.
Coding change: c.2347C>T on transcript NM_001256545.2 (MANE Select); coding-DNA position 2347, C replaced by T.
Protein change: p.Arg783Trp; replaces arginine 783 with tryptophan.
Molecular consequence: missense variant.
Genome position (GRCh38, 1-based): chr5:127,440,852, C>T. VCF-style: chr5-127440852-C-T. GRCh37 (hg19) VCF-style: chr5-126776544-C-T.
Other names: c.2347C>T, p.Arg783Trp (NM_032446.3); short protein forms R783W.
Identifiers: ClinVar variation 586143 (VCV000586143.6), dbSNP rs754251946, ClinGen allele CA3391903.

ClinVar aggregate classification (germline): Uncertain significance. Review status: criteria provided, multiple submitters, no conflicts (2 of 4 stars). 3 submissions from 3 submitters: Uncertain significance (3). Last evaluated 2025-08-09.

Conditions:
MEGF10-related myopathy (CMYO10A). Also called: Congenital myopathy 10A, severe variant. Identifiers: Orphanet 439212, MedGen C3280679, MONDO:0013731, OMIM 614399.

Allele frequency attached by ClinVar (database versions not stated): ExAC 0.00002; gnomAD exomes 0.00003; gnomAD 0.00005; TOPMed 0.00005.
gnomAD v4.1: 46 of 1,613,884 alleles (0.0029%); highest among the groups gnomAD compares: African/African-American, 0.013%; no homozygotes.

Submissions (3):

GeneDx
Classification: Uncertain significance. Last evaluated: 2025-08-09. Review status: criteria provided, single submitter. Criteria: GeneDx Variant Classification Process June 2021. Collection method: clinical testing. Allele origin: germline. Affected: yes.
Comment: Not observed at significant frequency in large population cohorts (gnomAD); In silico analysis supports that this missense variant has a deleterious effect on protein structure/function; Has not been previously published as pathogenic or benign to our knowledge

Labcorp Genetics (formerly Invitae), Labcorp
Classification: Uncertain significance for MEGF10-related myopathy. Last evaluated: 2022-06-13. Review status: criteria provided, single submitter. Criteria: Invitae Variant Classification Sherloc (09022015). Collection method: clinical testing. Allele origin: germline.
Comment: This sequence change replaces arginine, which is basic and polar, with tryptophan, which is neutral and slightly polar, at codon 783 of the MEGF10 protein (p.Arg783Trp). This variant is present in population databases (rs754251946, gnomAD 0.01%). This variant has not been reported in the literature in individuals affected with MEGF10-related conditions. ClinVar contains an entry for this variant (Variation ID: 586143). Algorithms developed to predict the effect of missense changes on protein structure and function (SIFT, PolyPhen-2, Align-GVGD) all suggest that this variant is likely to be disruptive. In summary, the available evidence is currently insufficient to determine the role of this variant in disease. Therefore, it has been classified as a Variant of Uncertain Significance.

Athena Diagnostics
Classification: Uncertain significance. Last evaluated: 2018-05-24. Review status: criteria provided, single submitter. Criteria: Athena Diagnostics Criteria. Collection method: clinical testing. Allele origin: germline.